The following is an entry in ClinVar:

ClinVar aggregate classification (germline): Uncertain significance (1 of 4 stars; one submission).

Conditions:
BAP1-related tumor predisposition syndrome (TPDS1). Also called: Tumor susceptibility linked to germline BAP1 mutations; COMMON Syndrome; TUMOR PREDISPOSITION SYNDROME 1; BAP1 tumor predisposition syndrome. Identifiers: Orphanet 289539, MedGen C3280492, MONDO:0013692, OMIM 614327.

Submission:

Labcorp Genetics (formerly Invitae), Labcorp
Classification: Uncertain significance for BAP1-related tumor predisposition syndrome. Last evaluated: 2023-04-03. Review status: criteria provided, single submitter. Criteria: Invitae Variant Classification Sherloc (09022015). Collection method: clinical testing. Allele origin: germline.
Comment: This sequence change replaces serine, which is neutral and polar, with asparagine, which is neutral and polar, at codon 105 of the BAP1 protein (p.Ser105Asn). This variant is not present in population databases (gnomAD no frequency). This variant has not been reported in the literature in individuals affected with BAP1-related conditions. Advanced modeling of protein sequence and biophysical properties (such as structural, functional, and spatial information, amino acid conservation, physicochemical variation, residue mobility, and thermodynamic stability) performed at Invitae indicates that this missense variant is not expected to disrupt BAP1 protein function. In summary, the available evidence is currently insufficient to determine the role of this variant in disease. Therefore, it has been classified as a Variant of Uncertain Significance.

NM_004656.4(BAP1):c.314G>A (p.Ser105Asn)

Gene: BAP1 (BRCA1 associated deubiquitinase 1; minus strand). Cytogenetic location: 3p21.1.
Variant type: single nucleotide variant.
Coding change: c.314G>A on transcript NM_004656.4 (MANE Select); coding-DNA position 314, G replaced by A.
Protein change: p.Ser105Asn; replaces serine 105 with asparagine.
Molecular consequence: missense variant.
Genome position (GRCh38, 1-based): chr3:52,408,019, C>T on the plus strand (G>A on the coding strand, the complement: BAP1 is on the minus strand). VCF-style: chr3-52408019-C-T. GRCh37 (hg19) VCF-style: chr3-52442035-C-T.
Other names: c.314G>A, p.Ser105Asn (NM_001410772.1); short protein forms S105N.
Identifiers: ClinVar variation 2851345 (VCV002851345.3), dbSNP rs1553645941, ClinGen allele CA353112267.